The following is an entry in ClinVar:

ClinVar aggregate classification (germline): Likely pathogenic (1 of 4 stars; one submission).

Conditions:
Griscelli syndrome type 2 (GS2). Also called: GRISCELLI SYNDROME WITH HEMOPHAGOCYTIC SYNDROME; PAID SYNDROME; PARTIAL ALBINISM AND IMMUNODEFICIENCY SYNDROME. Identifiers: Orphanet 381, Orphanet 79477, MedGen C1868679, MONDO:0011872, OMIM 607624.

gnomAD v4.1: 2 of 1,613,978 alleles (0.00012%); highest among the groups gnomAD compares: Admixed American, 0.0017%; no homozygotes.

Submission:

Labcorp Genetics (formerly Invitae), Labcorp
Classification: Likely pathogenic for Griscelli syndrome type 2. Last evaluated: 2024-06-19. Review status: criteria provided, single submitter. Criteria: Invitae Variant Classification Sherloc (09022015). Collection method: clinical testing. Allele origin: germline.
Comment: This sequence change replaces valine, which is neutral and non-polar, with methionine, which is neutral and non-polar, at codon 143 of the RAB27A protein (p.Val143Met). This variant is not present in population databases (gnomAD no frequency). This variant has not been reported in the literature in individuals affected with RAB27A-related conditions. Advanced modeling of protein sequence and biophysical properties (such as structural, functional, and spatial information, amino acid conservation, physicochemical variation, residue mobility, and thermodynamic stability) performed at Invitae indicates that this missense variant is expected to disrupt RAB27A protein function with a positive predictive value of 95%. This variant disrupts the p.Val143 amino acid residue in RAB27A. Other variant(s) that disrupt this residue have been determined to be pathogenic (PMID: 28936583, 33362801, 37368332). This suggests that this residue is clinically significant, and that variants that disrupt this residue are likely to be disease-causing. In summary, the currently available evidence indicates that the variant is pathogenic, but additional data are needed to prove that conclusively. Therefore, this variant has been classified as Likely Pathogenic.

Literature cited by the submitters: PubMed 28936583; PubMed 33362801; PubMed 37368332.

NM_183235.3(RAB27A):c.427G>A (p.Val143Met)

Gene: RAB27A (RAB27A, member RAS oncogene family; minus strand). Cytogenetic location: 15q21.3.
Variant type: single nucleotide variant.
Coding change: c.427G>A on transcript NM_183235.3 (MANE Select); coding-DNA position 427, G replaced by A.
Protein change: p.Val143Met; replaces valine 143 with methionine.
Molecular consequence: missense variant.
Genome position (GRCh38, 1-based): chr15:55,223,929, C>T on the plus strand (G>A on the coding strand, the complement: RAB27A is on the minus strand). VCF-style: chr15-55223929-C-T. GRCh37 (hg19) VCF-style: chr15-55516127-C-T.
Other names: c.427G>A, p.Val143Met (NM_004580.5, NM_183234.3, NM_183236.3); short protein forms V143M.
Identifiers: ClinVar variation 3689413 (VCV003689413.2).